The following is an entry in ClinVar:

ClinVar aggregate classification (germline): Uncertain significance (1 of 4 stars; one submission).

Conditions:
Tuberous sclerosis 2 (TSC2). Identifiers: Orphanet 805, MedGen C1860707, MONDO:0013199, OMIM 613254.

Submission:

Labcorp Genetics (formerly Invitae), Labcorp
Classification: Uncertain significance for Tuberous sclerosis 2. Last evaluated: 2024-07-19. Review status: criteria provided, single submitter. Criteria: Invitae Variant Classification Sherloc (09022015). Collection method: clinical testing. Allele origin: germline.
Comment: This sequence change falls in intron 41 of the TSC2 gene. It does not directly change the encoded amino acid sequence of the TSC2 protein. It affects a nucleotide within the consensus splice site. This variant is not present in population databases (gnomAD no frequency). This variant has not been reported in the literature in individuals affected with TSC2-related conditions. Variants that disrupt the consensus splice site are a relatively common cause of aberrant splicing (PMID: 17576681, 9536098). Algorithms developed to predict the effect of sequence changes on RNA splicing suggest that this variant is not likely to affect RNA splicing. In summary, the available evidence is currently insufficient to determine the role of this variant in disease. Therefore, it has been classified as a Variant of Uncertain Significance.

Literature cited by the submitters: PubMed 17576681; PubMed 9536098.

NM_000548.5(TSC2):c.5259+4G>C

Gene: TSC2 (TSC complex subunit 2; plus strand). Cytogenetic location: 16p13.3.
Variant type: single nucleotide variant.
Coding change: c.5259+4G>C on transcript NM_000548.5 (MANE Select); 4 bases into the intron after coding-DNA position 5259, G replaced by C.
Molecular consequence: intron variant.
Genome position (GRCh38, 1-based): chr16:2,088,329, G>C. VCF-style: chr16-2088329-G-C. GRCh37 (hg19) VCF-style: chr16-2138330-G-C.
Other names: c.3717+4G>C (NM_001406693.1, NM_001406692.1, NM_001406694.1); c.5151+4G>C (NM_001406667.1); c.5148+4G>C (NM_001406668.1); c.4659+4G>C (NM_001406680.1); c.4590+4G>C (NM_001406683.1, NM_001406682.1); c.4458+4G>C (NM_001406687.1, NM_001406688.1); c.3846+4G>C (NM_001406689.1); c.3786+4G>C (NM_001406690.1); and 27 more.
Identifiers: ClinVar variation 3659848 (VCV003659848.2).